The following is an entry in ClinVar:

NC_000017.10:g.(?_29585399)_(29597250_?)del

Gene: NF1 (neurofibromin 1; plus strand). Cytogenetic location: 17q11.2.
Variant type: Deletion.
Identifiers: ClinVar variation 3242911 (VCV003242911.1).

ClinVar aggregate classification (germline): Pathogenic (1 of 4 stars; one submission).

Conditions:
Neurofibromatosis, type 1 (NF1). Also called: VON RECKLINGHAUSEN DISEASE; Neurofibromatosis, type I; Peripheral type neurofibromatosis; NEUROFIBROMATOSIS, TYPE I, SOMATIC. Identifiers: Orphanet 636, MedGen C0027831, MONDO:0018975, OMIM 162200. Disease mechanism: loss of function.

Submission:

Labcorp Genetics (formerly Invitae), Labcorp
Classification: Pathogenic for Neurofibromatosis, type 1. Last evaluated: 2023-10-23. Review status: criteria provided, single submitter. Criteria: Invitae Variant Classification Sherloc (09022015). Collection method: clinical testing. Allele origin: unknown.
Comment: This variant results in the deletion of exons 32-35 and part of exon 31 (c.4148_4772+4893del) of the NF1 gene. It is expected to disrupt RNA splicing. Variants that disrupt the donor or acceptor splice site typically lead to a loss of protein function (PMID: 16199547), and loss-of-function variants in NF1 are known to be pathogenic (PMID: 10712197, 23913538). This variant has been observed in individual(s) with clinical features of neurofibromatosis type 1 (Invitae). This variant disrupts a region of the NF1 protein in which other variant(s) (p.Leu1390Phe) have been determined to be pathogenic (PMID: 19845691). This suggests that this is a clinically significant region of the protein, and that variants that disrupt it are likely to be disease-causing. For these reasons, this variant has been classified as Pathogenic.

Literature cited by the submitters: PubMed 16199547; PubMed 10712197; PubMed 23913538; PubMed 19845691.